The following is an entry in ClinVar:

ClinVar aggregate classification (germline): Uncertain significance (1 of 4 stars; one submission).

gnomAD v4.1: 2 of 1,614,074 alleles (0.00012%); highest among the groups gnomAD compares: Non-Finnish European, 0.00017%; no homozygotes.

Submission:

CeGaT Center for Human Genetics Tuebingen
Classification: Uncertain significance. Last evaluated: 2022-06-01. Review status: criteria provided, single submitter. Criteria: CeGaT Center For Human Genetics Tuebingen Variant Classification Criteria Version 2. Collection method: clinical testing. Allele origin: germline. Affected: yes. Observed: 1 variant allele.
Comment: MFSD8: PM2, PP3

NM_001371596.2(MFSD8):c.439G>A (p.Gly147Arg)

Gene: MFSD8 (major facilitator superfamily domain containing 8; minus strand). Cytogenetic location: 4q28.2.
Variant type: single nucleotide variant.
Coding change: c.439G>A on transcript NM_001371596.2 (MANE Select); coding-DNA position 439, G replaced by A.
Protein change: p.Gly147Arg; replaces glycine 147 with arginine.
Molecular consequence: missense variant.
Genome position (GRCh38, 1-based): chr4:127,943,752, C>T on the plus strand (G>A on the coding strand, the complement: MFSD8 is on the minus strand). VCF-style: chr4-127943752-C-T. GRCh37 (hg19) VCF-style: chr4-128864907-C-T.
Other names: c.439G>A, p.Gly147Arg (NM_001363520.3, NM_001371591.2, NM_001371592.2 and 2 more transcripts); c.439G>A, p.Ala147Thr (NM_001363521.3); c.304G>A, p.Gly102Arg (NM_001371590.2, NM_001371595.1); c.439G>A, p.Val147Ile (NM_001371593.2, NM_001410766.1); c.304G>A, p.Ala102Thr (NM_001410765.1); short protein forms A147T, G102R, G147R, V147I, A102T.
Identifiers: ClinVar variation 1695109 (VCV001695109.31), dbSNP rs2148921601, ClinGen allele CA358176650.